The following is an entry in ClinVar:

ClinVar aggregate classification (germline): Likely benign. Review status: criteria provided, multiple submitters, no conflicts (2 of 4 stars). 2 submissions from 2 submitters: Likely benign (2). Last evaluated 2018-06-16.

Allele frequency attached by ClinVar (database versions not stated): 1000 Genomes Project 0.00260; 1000 Genomes Project 30x 0.00281; TOPMed 0.00508; ESP Exome Variant Server 0.00700; gnomAD 0.00720 and 0.00739.

Submissions (2):

GeneDx
Classification: Likely benign. Last evaluated: 2018-06-16. Review status: criteria provided, single submitter. Criteria: GeneDx Variant Classification (06012015). Collection method: clinical testing. Allele origin: germline. Affected: yes.
Comment: This variant is considered likely benign or benign based on one or more of the following criteria: it is a conservative change, it occurs at a poorly conserved position in the protein, it is predicted to be benign by multiple in silico algorithms, and/or has population frequency not consistent with disease.

Breakthrough Genomics
Classification: Likely benign. Review status: criteria provided, single submitter. Criteria: ACMG Guidelines, 2015. Collection method: not provided. Allele origin: germline. Inheritance: Autosomal recessive inheritance. Affected: yes.

NM_153676.4(USH1C):c.1019+52G>A

Gene: USH1C (USH1 protein network component harmonin; minus strand). Cytogenetic location: 11p15.1.
Variant type: single nucleotide variant.
Coding change: c.1019+52G>A on transcript NM_153676.4 (MANE Select); 52 bases into the intron after coding-DNA position 1019, G replaced by A.
Molecular consequence: intron variant.
Genome position (GRCh38, 1-based): chr11:17,522,732, C>T on the plus strand (G>A on the coding strand, the complement: USH1C is on the minus strand). VCF-style: chr11-17522732-C-T. GRCh37 (hg19) VCF-style: chr11-17544279-C-T.
Other names: c.962+52G>A (NM_001297764.2); c.1019+52G>A (NM_005709.4).
Identifiers: ClinVar variation 676406 (VCV000676406.2), dbSNP rs147022226, ClinGen allele CA218458372.